The following is an entry in ClinVar:

ClinVar aggregate classification (germline): Uncertain significance. Review status: criteria provided, multiple submitters, no conflicts (2 of 4 stars). 3 submissions from 3 submitters: Uncertain significance (3). Last evaluated 2025-10-21.

Conditions:
Trichohepatoenteric syndrome 2 (THES2). Identifiers: Orphanet 84064, MedGen C3281289, MONDO:0013818, OMIM 614602.

Allele frequency attached by ClinVar (database versions not stated): gnomAD 0.00001; TOPMed 0.00002.
gnomAD v4.1: 16 of 1,608,976 alleles (0.00099%); highest among the groups gnomAD compares: Admixed American, 0.01%; no homozygotes.

Submissions (3):

Labcorp Genetics (formerly Invitae), Labcorp
Classification: Uncertain significance. Last evaluated: 2025-10-21. Review status: criteria provided, single submitter. Criteria: Invitae Variant Classification Sherloc (09022015). Collection method: clinical testing. Allele origin: germline.
Comment: This sequence change replaces arginine, which is basic and polar, with glutamine, which is neutral and polar, at codon 722 of the SKIV2L protein (p.Arg722Gln). This variant is present in population databases (rs768031925, gnomAD 0.02%). This variant has not been reported in the literature in individuals affected with SKIV2L-related conditions. ClinVar contains an entry for this variant (Variation ID: 356334). An algorithm developed to predict the effect of missense changes on protein structure and function (PolyPhen-2) suggests that this variant is likely to be tolerated. In summary, the available evidence is currently insufficient to determine the role of this variant in disease. Therefore, it has been classified as a Variant of Uncertain Significance.

Illumina Laboratory Services, Illumina
Classification: Uncertain significance for Trichohepatoenteric syndrome 2. Last evaluated: 2018-01-13. Review status: criteria provided, single submitter. Criteria: ICSL Variant Classification Criteria 13 December 2019. Collection method: clinical testing. Allele origin: germline.

Breakthrough Genomics
Classification: Uncertain significance. Review status: criteria provided, single submitter. Criteria: ACMG Guidelines, 2015. Collection method: not provided. Allele origin: germline. Inheritance: Unknown mechanism. Affected: yes.

NM_006929.5(SKIC2):c.2165G>A (p.Arg722Gln)

Gene: SKIC2 (SKI2 subunit of superkiller complex; plus strand). Cytogenetic location: 6p21.33.
Variant type: single nucleotide variant.
Coding change: c.2165G>A on transcript NM_006929.5 (MANE Select); coding-DNA position 2165, G replaced by A.
Protein change: p.Arg722Gln; replaces arginine 722 with glutamine.
Molecular consequence: missense variant.
Genome position (GRCh38, 1-based): chr6:31,965,976, G>A. VCF-style: chr6-31965976-G-A. GRCh37 (hg19) VCF-style: chr6-31933753-G-A.
Other names: short protein forms R722Q.
Identifiers: ClinVar variation 356334 (VCV000356334.11), dbSNP rs768031925, ClinGen allele CA3729695.